The following is an entry in ClinVar:

NM_022168.4(IFIH1):c.1524+90G>A

Gene: IFIH1 (interferon induced with helicase C domain 1; minus strand). Cytogenetic location: 2q24.2.
Variant type: single nucleotide variant.
Coding change: c.1524+90G>A on transcript NM_022168.4 (MANE Select); 90 bases into the intron after coding-DNA position 1524, G replaced by A.
Molecular consequence: intron variant.
Genome position (GRCh38, 1-based): chr2:162,281,238, C>T on the plus strand (G>A on the coding strand, the complement: IFIH1 is on the minus strand). VCF-style: chr2-162281238-C-T. GRCh37 (hg19) VCF-style: chr2-163137748-C-T.
Identifiers: ClinVar variation 1300356 (VCV001300356.5), dbSNP rs16846555, ClinGen allele CA59664610.

ClinVar aggregate classification (germline): Benign/Likely benign. Review status: criteria provided, multiple submitters, no conflicts (2 of 4 stars). 3 submissions from 3 submitters: Benign (1); Likely benign (2). Last evaluated 2023-11-12.

Allele frequency attached by ClinVar (database versions not stated): gnomAD exomes 0.02649; gnomAD 0.03287 and 0.03482; TOPMed 0.05292; 1000 Genomes Project 0.07069; 1000 Genomes Project 30x 0.07214.
gnomAD v4.1: 27,025 of 964,226 alleles (2.8%); highest among the groups gnomAD compares: Admixed American, 25%; 2,060 homozygotes.

Submissions (3):

Unidad de Genómica Garrahan, Hospital de Pediatría Garrahan
Classification: Benign. Last evaluated: 2023-11-12. Review status: criteria provided, single submitter. Criteria: ACMG Guidelines, 2015. Collection method: clinical testing. Allele origin: germline. Affected: no. Observed: 42 variant alleles.
Comment: This variant is classified as Benign based on local population frequency. This variant was detected in 44% of patients studied by a panel of primary immunodeficiencies. Number of patients: 42. Only high quality variants are reported.

GeneDx
Classification: Likely benign. Last evaluated: 2021-04-03. Review status: criteria provided, single submitter. Criteria: GeneDx Variant Classification Process June 2021. Collection method: clinical testing. Allele origin: germline. Affected: yes.

Breakthrough Genomics
Classification: Likely benign. Review status: criteria provided, single submitter. Criteria: ACMG Guidelines, 2015. Collection method: not provided. Allele origin: germline. Inheritance: Autosomal recessive inheritance. Affected: yes.